The following is an entry in ClinVar:

NM_004260.4(RECQL4):c.3431G>A (p.Arg1144His)

Gene: RECQL4 (RecQ like helicase 4; minus strand). Cytogenetic location: 8q24.3.
Variant type: single nucleotide variant.
Coding change: c.3431G>A on transcript NM_004260.4 (MANE Select); coding-DNA position 3431, G replaced by A.
Protein change: p.Arg1144His; replaces arginine 1144 with histidine.
Molecular consequence: missense variant.
Genome position (GRCh38, 1-based): chr8:144,511,752, C>T on the plus strand (G>A on the coding strand, the complement: RECQL4 is on the minus strand). VCF-style: chr8-144511752-C-T. GRCh37 (hg19) VCF-style: chr8-145737135-C-T.
Other names: short protein forms R1144H.
Identifiers: ClinVar variation 459477 (VCV000459477.22), dbSNP rs746892308, ClinGen allele CA4947739.

ClinVar aggregate classification (germline): Uncertain significance. Review status: criteria provided, multiple submitters, no conflicts (2 of 4 stars). 3 submissions from 3 submitters: Uncertain significance (3). Last evaluated 2026-03-09.

Conditions:
Hereditary cancer-predisposing syndrome. Also called: Tumor predisposition; Hereditary neoplastic syndrome; Neoplastic Syndromes, Hereditary; Hereditary Cancer Syndrome. Identifiers: Orphanet 140162, MedGen C0027672, MeSH D009386, MONDO:0015356.
Baller-Gerold syndrome (BGS). Also called: CRANIOSYNOSTOSIS WITH RADIAL DEFECTS. Identifiers: Orphanet 1225, MedGen C0265308, MONDO:0009039, OMIM 218600.

Allele frequency attached by ClinVar (database versions not stated): gnomAD 0.00008; gnomAD exomes 0.00009 and 0.00012; TOPMed 0.00012; ExAC 0.00014.
gnomAD v4.1: 141 of 1,612,466 alleles (0.0087%); highest among the groups gnomAD compares: Admixed American, 0.037%; no homozygotes.

Submissions (3):

GeneDx
Classification: Uncertain significance. Last evaluated: 2026-03-09. Review status: criteria provided, single submitter. Criteria: GeneDx Variant Classification Process June 2021. Collection method: clinical testing. Allele origin: germline.
Comment: Has not been previously published as pathogenic or benign to our knowledge; In silico analysis does not support a benign or deleterious effect of this variant on protein structure/function

Labcorp Genetics (formerly Invitae), Labcorp
Classification: Uncertain significance for Baller-Gerold syndrome. Last evaluated: 2025-11-10. Review status: criteria provided, single submitter. Criteria: Invitae Variant Classification Sherloc (09022015). Collection method: clinical testing. Allele origin: germline.
Comment: This sequence change replaces arginine, which is basic and polar, with histidine, which is basic and polar, at codon 1144 of the RECQL4 protein (p.Arg1144His). This variant is present in population databases (rs746892308, gnomAD 0.05%). This variant has not been reported in the literature in individuals affected with RECQL4-related conditions. ClinVar contains an entry for this variant (Variation ID: 459477). Invitae Evidence Modeling of protein sequence and biophysical properties (such as structural, functional, and spatial information, amino acid conservation, physicochemical variation, residue mobility, and thermodynamic stability) indicates that this missense variant is not expected to disrupt RECQL4 protein function with a negative predictive value of 80%. In summary, the available evidence is currently insufficient to determine the role of this variant in disease. Therefore, it has been classified as a Variant of Uncertain Significance.

Sema4
Classification: Uncertain significance for Hereditary cancer-predisposing syndrome. Last evaluated: 2021-06-30. Review status: criteria provided, single submitter. Criteria: Sema4 Curation Guidelines. Collection method: curation. Allele origin: germline.
Comment: The RECQL4 c.3431G>A (p.R1144H) variant has not been reported in the literature to our knowledge. It was observed in 14/34500 chromosomes of the Latino subpopulation, with no homozygotes, in the large and broad cohorts of the Genome Aggregation Database. The variant has been reported in ClinVar (Variation ID 459477). In silico tools suggest the impact of the variant on protein function is benign, though these predictions have not been confirmed by functional studies. The evidence is insufficient to meet ACMG/AMP criteria for classifying the variant as benign or pathogenic. Thus, the clinical significance of this variant is currently uncertain.